The following is an entry in ClinVar:

NM_031418.4(ANO3):c.2890C>T (p.His964Tyr)

Gene: ANO3 (anoctamin 3; plus strand). Cytogenetic location: 11p14.2.
Variant type: single nucleotide variant.
Coding change: c.2890C>T on transcript NM_031418.4 (MANE Select); coding-DNA position 2890, C replaced by T.
Protein change: p.His964Tyr; replaces histidine 964 with tyrosine.
Molecular consequence: missense variant.
Genome position (GRCh38, 1-based): chr11:26,660,388, C>T. VCF-style: chr11-26660388-C-T. GRCh37 (hg19) VCF-style: chr11-26681935-C-T.
Other names: c.3073C>T, p.His1025Tyr (NM_001313726.2); c.2452C>T, p.His818Tyr (NM_001313727.2); short protein forms H1025Y, H818Y, H964Y.
Identifiers: ClinVar variation 3722349 (VCV003722349.2).

ClinVar aggregate classification (germline): Uncertain significance (1 of 4 stars; one submission).

Conditions:
Dystonic disorder. Also called: Dystonia. Identifiers: MedGen C0013421, MONDO:0003441, HP:0001332.

gnomAD v4.1: 5 of 1,612,800 alleles (0.00031%); highest among the groups gnomAD compares: East Asian, 0.0045%; no homozygotes.

Submission:

Labcorp Genetics (formerly Invitae), Labcorp
Classification: Uncertain significance for Dystonic disorder. Last evaluated: 2024-07-17. Review status: criteria provided, single submitter. Criteria: Invitae Variant Classification Sherloc (09022015). Collection method: clinical testing. Allele origin: germline.
Comment: This sequence change replaces histidine, which is basic and polar, with tyrosine, which is neutral and polar, at codon 964 of the ANO3 protein (p.His964Tyr). This variant is present in population databases (rs370436128, gnomAD 0.0009%). This variant has not been reported in the literature in individuals affected with ANO3-related conditions. Advanced modeling of protein sequence and biophysical properties (such as structural, functional, and spatial information, amino acid conservation, physicochemical variation, residue mobility, and thermodynamic stability) performed at Invitae indicates that this missense variant is not expected to disrupt ANO3 protein function with a negative predictive value of 80%. In summary, the available evidence is currently insufficient to determine the role of this variant in disease. Therefore, it has been classified as a Variant of Uncertain Significance.